The following is an entry in ClinVar:

NM_198506.5(LRIT3):c.1784T>A (p.Ile595Asn)

Gene: LRIT3 (leucine rich repeat, Ig-like and transmembrane domains 3; plus strand). Cytogenetic location: 4q25.
Variant type: single nucleotide variant.
Coding change: c.1784T>A on transcript NM_198506.5 (MANE Select); coding-DNA position 1784, T replaced by A.
Protein change: p.Ile595Asn; replaces isoleucine 595 with asparagine.
Molecular consequence: missense variant.
Genome position (GRCh38, 1-based): chr4:109,870,533, T>A. VCF-style: chr4-109870533-T-A. GRCh37 (hg19) VCF-style: chr4-110791689-T-A.
Other names: short protein forms I595N.
Identifiers: ClinVar variation 1939152 (VCV001939152.5), dbSNP rs774370514, ClinGen allele CA3043262.

ClinVar aggregate classification (germline): Uncertain significance (1 of 4 stars; one submission).

Allele frequency attached by ClinVar (database versions not stated): ExAC 0.00002.
gnomAD v4.1: 11 of 1,614,250 alleles (0.00068%); highest among the groups gnomAD compares: Admixed American, 0.018%; 1 homozygote.

Submission:

Labcorp Genetics (formerly Invitae), Labcorp
Classification: Uncertain significance. Last evaluated: 2023-07-17. Review status: criteria provided, single submitter. Criteria: Invitae Variant Classification Sherloc (09022015). Collection method: clinical testing. Allele origin: germline.
Comment: This sequence change replaces isoleucine, which is neutral and non-polar, with asparagine, which is neutral and polar, at codon 595 of the LRIT3 protein (p.Ile595Asn). In summary, the available evidence is currently insufficient to determine the role of this variant in disease. Therefore, it has been classified as a Variant of Uncertain Significance. An algorithm developed to predict the effect of missense changes on protein structure and function (PolyPhen-2) suggests that this variant is likely to be tolerated. ClinVar contains an entry for this variant (Variation ID: 1939152). This variant has not been reported in the literature in individuals affected with LRIT3-related conditions. This variant is present in population databases (rs774370514, gnomAD 0.03%).